The following is an entry in ClinVar:

NC_000023.11:g.101841759C>T

Gene: NXF5 (nuclear RNA export factor 5; minus strand). Cytogenetic location: Xq22.1.
Variant type: single nucleotide variant.
Molecular consequence: non-coding transcript variant (on NR_028089.1).
Genome position: GRCh38 VCF-style: chrX-101841759-C-T. GRCh37 (hg19) VCF-style: chrX-101096731-C-T.
Identifiers: ClinVar variation 1911300 (VCV001911300.5), dbSNP rs754378169, ClinGen allele CA10474713.

ClinVar aggregate classification (germline): Uncertain significance (1 of 4 stars; one submission).

Allele frequency attached by ClinVar (database versions not stated): ExAC 0.00001; TOPMed 0.00001.

Submission:

Labcorp Genetics (formerly Invitae), Labcorp
Classification: Uncertain significance. Last evaluated: 2025-12-10. Review status: criteria provided, single submitter. Criteria: Invitae Variant Classification Sherloc (09022015). Collection method: clinical testing. Allele origin: germline.
Comment: This sequence change replaces arginine, which is basic and polar, with glutamine, which is neutral and polar, at codon 52 of the NXF5 protein (p.Arg52Gln). This variant is present in population databases (rs754378169, gnomAD 0.03%). This variant has not been reported in the literature in individuals affected with NXF5-related conditions. ClinVar contains an entry for this variant (Variation ID: 1911300). An algorithm developed to predict the effect of missense changes on protein structure and function outputs the following: PolyPhen-2: "Benign". The glutamine amino acid residue is found in multiple mammalian species, which suggests that this missense change does not adversely affect protein function. Algorithms developed to predict the effect of sequence changes on RNA splicing suggest that this variant may disrupt the consensus splice site. In summary, the available evidence is currently insufficient to determine the role of this variant in disease. Therefore, it has been classified as a Variant of Uncertain Significance.